The following is an entry in ClinVar:

ClinVar aggregate classification (germline): Uncertain significance. Review status: criteria provided, multiple submitters, no conflicts (2 of 4 stars). 6 submissions from 6 submitters: Uncertain significance (5). 1 of the submissions does not count toward it. Last evaluated 2024-07-24.

Conditions:
Hereditary cancer-predisposing syndrome. Also called: Hereditary Cancer Syndrome; Neoplastic Syndromes, Hereditary; Tumor predisposition; Hereditary neoplastic syndrome. Identifiers: Orphanet 140162, MedGen C0027672, MeSH D009386, MONDO:0015356.
Microcephaly, normal intelligence and immunodeficiency (NBS). Also called: IMMUNODEFICIENCY, MICROCEPHALY, AND CHROMOSOMAL INSTABILITY; SEEMANOVA SYNDROME II; Immunodeficiency, microcephaly with normal intelligence; Ataxia telangiectasia variant V1; Nijmegen breakage syndrome; Microcephaly with normal intelligence immunodeficiency and lymphoreticular malignancies. Identifiers: Orphanet 647, MedGen C0398791, MONDO:0009623, OMIM 251260.

gnomAD v4.1: 3 of 1,613,686 alleles (0.00019%); highest among the groups gnomAD compares: Non-Finnish European, 0.00025%; no homozygotes.

Submissions (6):

Ambry Genetics
Classification: Uncertain significance for Hereditary cancer-predisposing syndrome. Last evaluated: 2024-07-24. Review status: criteria provided, single submitter. Criteria: Ambry Variant Classification Scheme 2023. Collection method: clinical testing. Allele origin: germline.
Comment: The p.S438I variant (also known as c.1313G>T), located in coding exon 10 of the NBN gene, results from a G to T substitution at nucleotide position 1313. The serine at codon 438 is replaced by isoleucine, an amino acid with dissimilar properties. This amino acid position is poorly conserved in available vertebrate species. In addition, this alteration is predicted to be tolerated by in silico analysis. Since supporting evidence is limited at this time, the clinical significance of this alteration remains unclear.

GeneDx
Classification: Uncertain significance. Last evaluated: 2024-07-02. Review status: criteria provided, single submitter. Criteria: GeneDx Variant Classification Process June 2021. Collection method: clinical testing. Allele origin: germline. Affected: yes.
Comment: Not observed at significant frequency in large population cohorts (gnomAD); In silico analysis indicates that this missense variant does not alter protein structure/function; Has not been previously published as pathogenic or benign to our knowledge; This variant is associated with the following publications: (PMID: 36346689)

Labcorp Genetics (formerly Invitae), Labcorp
Classification: Uncertain significance for Microcephaly, normal intelligence and immunodeficiency. Last evaluated: 2023-11-13. Review status: criteria provided, single submitter. Criteria: Invitae Variant Classification Sherloc (09022015). Collection method: clinical testing. Allele origin: germline.
Comment: This sequence change replaces serine, which is neutral and polar, with isoleucine, which is neutral and non-polar, at codon 438 of the NBN protein (p.Ser438Ile). This variant is present in population databases (rs786203131, gnomAD 0.0009%). This variant has not been reported in the literature in individuals affected with NBN-related conditions. ClinVar contains an entry for this variant (Variation ID: 186671). An algorithm developed to predict the effect of missense changes on protein structure and function (PolyPhen-2) suggests that this variant is likely to be tolerated. In summary, the available evidence is currently insufficient to determine the role of this variant in disease. Therefore, it has been classified as a Variant of Uncertain Significance.

Genome-Nilou Lab
Classification: Uncertain significance for Microcephaly, normal intelligence and immunodeficiency. Last evaluated: 2021-11-07. Review status: criteria provided, single submitter. Criteria: ACMG Guidelines, 2015. Collection method: clinical testing. Allele origin: germline. Affected: no.

Women's Health and Genetics/Laboratory Corporation of America, LabCorp
Classification: Uncertain significance. Last evaluated: 2017-09-28. Review status: criteria provided, single submitter. Criteria: LabCorp Variant Classification Summary - May 2015. Collection method: clinical testing. Allele origin: germline.
Comment: Variant summary: The NBN c.1313G>T (p.Ser438Ile) variant causes a missense change involving the alteration of a non-conserved nucleotide located in the BRCT domain(IPR001357) (InterPro). 2/4 in silico tools predict a benign outcome for this variant (SNPsandGO not captured due to low reliability index). This variant was found in 1/246062 control chromosomes (gnomAD) at a frequency of 0.0000041, which does not exceed the estimated maximal expected allele frequency of a pathogenic NBN variant (0.000125). In addition, multiple clinical diagnostic laboratories in ClinVar have classified this variant as uncertain significance. The variant of interest has not, to our knowledge, been reported in affected individuals via publications, nor has it been evaluated for functional impact by in vivo/vitro studies. Because of the absence of clinical information and the lack of functional studies, the variant is classified as a variant of uncertain significance (VUS) until additional information becomes available.

Natera, Inc.
Classification: Uncertain significance for Nijmegen breakage syndrome. Last evaluated: 2020-07-02. Review status: no assertion criteria provided. Collection method: clinical testing. Allele origin: germline. Not counted in ClinVar's aggregate classification.

NM_002485.5(NBN):c.1313G>T (p.Ser438Ile)

Gene: NBN (nibrin; minus strand). Cytogenetic location: 8q21.3.
Variant type: single nucleotide variant.
Coding change: c.1313G>T on transcript NM_002485.5 (MANE Select); coding-DNA position 1313, G replaced by T.
Protein change: p.Ser438Ile; replaces serine 438 with isoleucine.
Molecular consequence: missense variant.
Genome position (GRCh38, 1-based): chr8:89,955,367, C>A on the plus strand (G>T on the coding strand, the complement: NBN is on the minus strand). VCF-style: chr8-89955367-C-A. GRCh37 (hg19) VCF-style: chr8-90967595-C-A.
Other names: c.1067G>T, p.Ser356Ile (NM_001024688.3); short protein forms S438I, S356I.
Identifiers: ClinVar variation 186671 (VCV000186671.27), dbSNP rs786203131, ClinGen allele CA195519.